The following is an entry in ClinVar:

ClinVar aggregate classification (germline): Uncertain significance (1 of 4 stars; one submission).

Conditions:
Familial sleep-related hypermotor epilepsy. Also called: Autosomal Dominant Sleep-Related Hypermotor (Hyperkinetic) Epilepsy. Identifiers: Orphanet 98784, MedGen C3696898, MONDO:0000030.

Allele frequency attached by ClinVar (database versions not stated): gnomAD 0.00001; gnomAD exomes below 0.00001; TOPMed 0.00001.

Submission:

Labcorp Genetics (formerly Invitae), Labcorp
Classification: Uncertain significance. Last evaluated: 2025-12-13. Review status: criteria provided, single submitter. Criteria: Invitae Variant Classification Sherloc (09022015). Collection method: clinical testing. Allele origin: germline.
Comment: This sequence change replaces valine, which is neutral and non-polar, with alanine, which is neutral and non-polar, at codon 467 of the CHRNB2 protein (p.Val467Ala). This variant is present in population databases (no rsID available, gnomAD 0.01%). This variant has not been reported in the literature in individuals affected with CHRNB2-related conditions. ClinVar contains an entry for this variant (Variation ID: 1952465). Invitae Evidence Modeling of protein sequence and biophysical properties (such as structural, functional, and spatial information, amino acid conservation, physicochemical variation, residue mobility, and thermodynamic stability) indicates that this missense variant is not expected to disrupt CHRNB2 protein function with a negative predictive value of 80%. In summary, the available evidence is currently insufficient to determine the role of this variant in disease. Therefore, it has been classified as a Variant of Uncertain Significance.

NM_000748.3(CHRNB2):c.1400T>C (p.Val467Ala)

Gene: CHRNB2 (cholinergic receptor nicotinic beta 2 subunit; plus strand). Cytogenetic location: 1q21.3.
Variant type: single nucleotide variant.
Coding change: c.1400T>C on transcript NM_000748.3 (MANE Select); coding-DNA position 1400, T replaced by C.
Protein change: p.Val467Ala; replaces valine 467 with alanine.
Molecular consequence: missense variant.
Genome position (GRCh38, 1-based): chr1:154,575,823, T>C. VCF-style: chr1-154575823-T-C. GRCh37 (hg19) VCF-style: chr1-154548299-T-C.
Other names: short protein forms V467A.
Identifiers: ClinVar variation 1952465 (VCV001952465.5), dbSNP rs1222585320, ClinGen allele CA342632891.